The following is an entry in ClinVar:

NM_016148.5(SHANK1):c.266G>A (p.Arg89His)

Gene: SHANK1 (SH3 and multiple ankyrin repeat domains 1; minus strand). Cytogenetic location: 19q13.33.
Variant type: single nucleotide variant.
Coding change: c.266G>A on transcript NM_016148.5 (MANE Select); coding-DNA position 266, G replaced by A.
Protein change: p.Arg89His; replaces arginine 89 with histidine.
Molecular consequence: missense variant.
Genome position (GRCh38, 1-based): chr19:50,716,468, C>T on the plus strand (G>A on the coding strand, the complement: SHANK1 is on the minus strand). VCF-style: chr19-50716468-C-T. GRCh37 (hg19) VCF-style: chr19-51219725-C-T.
Other names: short protein forms R89H.
Identifiers: ClinVar variation 3899218 (VCV003899218.4).

ClinVar aggregate classification (germline): Uncertain significance. Review status: criteria provided, multiple submitters, no conflicts (2 of 4 stars). 2 submissions from 2 submitters: Uncertain significance (2). Last evaluated 2026-08-13.

gnomAD v4.1: 1 of 1,614,040 alleles (0.000062%); highest among the groups gnomAD compares: Non-Finnish European, 0.000085%; no homozygotes.

Submissions (2):

GeneDx
Classification: Uncertain significance. Last evaluated: 2026-08-13. Review status: criteria provided, single submitter. Criteria: GeneDx Variant Classification Process June 2021. Collection method: clinical testing. Allele origin: germline.
Comment: Not observed at significant frequency in large population cohorts (gnomAD); In silico analysis supports that this missense variant has a deleterious effect on protein structure/function; Has not been previously published as pathogenic or benign to our knowledge

Dasa
Classification: Uncertain significance. Last evaluated: 2026-02-05. Review status: criteria provided, single submitter. Criteria: DASA Assertion Criteria. Collection method: clinical testing. Allele origin: germline.
Comment: NM_016148.5(SHANK1):c.266G>A (p.Arg89His) is a missense variant that results in the substitution of arginine with histidine. This variant is rare in population databases. The currently available literature and clinical evidence are not sufficient to establish a definitive association between this variant and the reported condition. Therefore, this variant is classified as a variant of uncertain significance.